The following is an entry in ClinVar:

NM_005612.5(REST):c.2206C>T (p.Pro736Ser)

Gene: REST (RE1 silencing transcription factor; plus strand). Cytogenetic location: 4q12.
Variant type: single nucleotide variant.
Coding change: c.2206C>T on transcript NM_005612.5 (MANE Select); coding-DNA position 2206, C replaced by T.
Protein change: p.Pro736Ser; replaces proline 736 with serine.
Molecular consequence: missense variant.
Genome position (GRCh38, 1-based): chr4:56,931,064, C>T. VCF-style: chr4-56931064-C-T. GRCh37 (hg19) VCF-style: chr4-57797230-C-T.
Other names: p.Pro736Ser; c.2206C>T, p.Pro736Ser (NM_001193508.2, NM_001363453.3); short protein forms P736S.
Identifiers: ClinVar variation 769634 (VCV000769634.40), dbSNP rs61754065, ClinGen allele CA2932432.

ClinVar aggregate classification (germline): Benign/Likely benign. Review status: criteria provided, multiple submitters, no conflicts (2 of 4 stars). 8 submissions from 8 submitters: Benign (3); Likely benign (3). 2 of the submissions do not count toward it. Last evaluated 2026-08-01.

Conditions:
REST-related disorder. Also called: REST-related condition.

Allele frequency attached by ClinVar (database versions not stated): ExAC 0.00416; TOPMed 0.00430; ESP Exome Variant Server 0.00438; gnomAD 0.00455 and 0.00402; gnomAD exomes 0.00686 and 0.00367; 1000 Genomes Project 0.00040.
gnomAD v4.1: 9,081 of 1,386,398 alleles (0.66%); highest among the groups gnomAD compares: Non-Finnish European, 0.82%; 37 homozygotes.

Submissions (8):

CeGaT Center for Human Genetics Tuebingen
Classification: Benign. Last evaluated: 2026-08-01. Review status: criteria provided, single submitter. Criteria: CeGaT Center For Human Genetics Tuebingen Variant Classification Criteria Version 2. Collection method: clinical testing. Allele origin: germline. Affected: yes. Observed: 48 variant alleles.
Comment: REST: BP4, BS1, BS2

Labcorp Genetics (formerly Invitae), Labcorp
Classification: Benign. Last evaluated: 2026-02-03. Review status: criteria provided, single submitter. Criteria: Invitae Variant Classification Sherloc (09022015). Collection method: clinical testing. Allele origin: germline.

Mayo Clinic Laboratories, Mayo Clinic
Classification: Benign. Last evaluated: 2025-01-26. Review status: criteria provided, single submitter. Criteria: ACMG Guidelines, 2015. Collection method: clinical testing. Allele origin: germline. Observed: 5 variant alleles.
Comment: BS1, BP4_strong

Blueprint Genetics
Classification: Likely benign. Last evaluated: 2024-11-23. Review status: criteria provided, single submitter. Criteria: ACMG Guidelines, 2015. Collection method: clinical testing. Allele origin: germline.

GeneDx
Classification: Likely benign. Last evaluated: 2021-03-17. Review status: criteria provided, single submitter. Criteria: GeneDx Variant Classification Process June 2021. Collection method: clinical testing. Allele origin: germline. Affected: yes.

Breakthrough Genomics
Classification: Likely benign. Review status: criteria provided, single submitter. Criteria: ACMG Guidelines, 2015. Collection method: not provided. Allele origin: germline. Inheritance: Autosomal dominant inheritance. Affected: yes.

PreventionGenetics, part of Exact Sciences
Classification: Benign for REST-related condition. Last evaluated: 2019-12-31. Review status: no assertion criteria provided. Collection method: clinical testing. Allele origin: germline. Not counted in ClinVar's aggregate classification.
Comment: This variant is classified as benign based on ACMG/AMP sequence variant interpretation guidelines (Richards et al. 2015 PMID: 25741868, with internal and published modifications).

Department of Pathology and Laboratory Medicine, Sinai Health System
Classification: Benign. Review status: no assertion criteria provided. Collection method: clinical testing. Allele origin: unknown. Affected: yes. Study: The Canadian Open Genetics Repository (COGR). Not counted in ClinVar's aggregate classification.
Comment: The REST p.Pro736Ser variant was not identified in the literature but was identified in dbSNP (ID: rs61754065) and ClinVar (classified as benign by Invitae). The variant was identified in control databases in 928 of 265964 chromosomes (2 homozygous) at a frequency of 0.003489 increasing the likelihood this could be a low frequency benign variant (Genome Aggregation Database March 6, 2019, v2.1.1, non-cancer). The variant was observed in the following populations: European (non-Finnish) in 687 of 116716 chromosomes (freq: 0.005886), Ashkenazi Jewish in 41 of 9790 chromosomes (freq: 0.004188), Other in 21 of 6652 chromosomes (freq: 0.003157), European (Finnish) in 61 of 24904 chromosomes (freq: 0.002449), Latino in 76 of 34914 chromosomes (freq: 0.002177), South Asian in 25 of 30448 chromosomes (freq: 0.000821) and African in 17 of 23420 chromosomes (freq: 0.000726), but was not observed in the or East Asian populations. The p.Pro736 residue is not conserved in mammals and computational analyses (PolyPhen-2, SIFT, AlignGVGD, BLOSUM, MutationTaster) do not suggest a high likelihood of impact to the protein; however, this information is not predictive enough to rule out pathogenicity. The variant occurs outside of the splicing consensus sequence and in silico or computational prediction software programs (SpliceSiteFinder, MaxEntScan, NNSPLICE, GeneSplicer) do not predict a difference in splicing. In summary, based on the above information this variant meets our laboratory's criteria to be classified as benign.